The following is an entry in ClinVar:

ClinVar aggregate classification (germline): Uncertain significance (1 of 4 stars; one submission).

Conditions:
Glycogen storage disease, type II (IOPD). Also called: Pompe Disease; CARDIOMEGALIA GLYCOGENICA DIFFUSA; Glycogen storage disease type 2; Acid maltase deficiency disease; Aglucosidase alfa; Deficiency of alpha-glucosidase. Identifiers: Orphanet 365, MedGen C0017921, MONDO:0009290, OMIM 232300.

Submission:

Labcorp Genetics (formerly Invitae), Labcorp
Classification: Uncertain significance for Glycogen storage disease, type II. Last evaluated: 2020-09-26. Review status: criteria provided, single submitter. Criteria: Invitae Variant Classification Sherloc (09022015). Collection method: clinical testing. Allele origin: germline.
Comment: This variant results in a copy number gain of the genomic region encompassing exon(s) 16-20 of the GAA gene. The 5' boundary is likely confined to intron 15. The 3' end of this event is unknown as it extends beyond the assayed region for this gene and therefore may encompass additional genes. As the precise location of this event is unknown, it may be in tandem or it may be located elsewhere in the genome. This variant has not been reported in the literature in individuals with GAA-related conditions. Experimental studies and prediction algorithms are not available or were not evaluated, and the functional significance of this variant is currently unknown. In summary, the available evidence is currently insufficient to determine the role of this variant in disease. Therefore, it has been classified as a Variant of Uncertain Significance.

NC_000017.10:g.(?_78090757)_(78093140_?)dup

Gene: GAA (alpha glucosidase; plus strand). Cytogenetic location: 17q25.3.
Variant type: Duplication.
Identifiers: ClinVar variation 1010218 (VCV001010218.1).